The following is an entry in ClinVar:

NM_007272.3(CTRC):c.8G>A (p.Gly3Asp)

Gene: CTRC (chymotrypsin C; plus strand). Cytogenetic location: 1p36.21.
Variant type: single nucleotide variant.
Coding change: c.8G>A on transcript NM_007272.3 (MANE Select); coding-DNA position 8, G replaced by A.
Protein change: p.Gly3Asp; replaces glycine 3 with aspartic acid.
Molecular consequence: missense variant.
Genome position (GRCh38, 1-based): chr1:15,438,472, G>A. VCF-style: chr1-15438472-G-A. GRCh37 (hg19) VCF-style: chr1-15764968-G-A.
Other names: short protein forms G3D.
Identifiers: ClinVar variation 2626259 (VCV002626259.2), dbSNP rs2526285185, ClinGen allele CA338563553.
Genomic context (GRCh38, chr1:15,438,472, plus strand): 5'-TATAAGTGTGCCCCAGCCCATCCCGATGGTCAGCCAGTCCTGAGCACCTAACCATGTTGG[G>A]CATCACTGTCCTCGCTGCGCTCTTGGCCTGTGGTAAGCGGTGGGGTGGGGCTGCAGCTAG-3'
Protein context (NP_009203.2, residues 1-13): ML[Gly3Asp]ITVLAALLAC

ClinVar aggregate classification (germline): Uncertain significance (1 of 4 stars; one submission).

Conditions:
Hereditary pancreatitis (PCTT). Also called: PRSS1-Related Hereditary Pancreatitis; Hereditary chronic pancreatitis. Identifiers: Orphanet 676, MedGen C0238339, MONDO:0008185, OMIM 167800.

Submission:

Ambry Genetics
Classification: Uncertain significance for Hereditary pancreatitis. Last evaluated: 2023-07-29. Review status: criteria provided, single submitter. Criteria: Ambry Variant Classification Scheme 2023. Collection method: clinical testing. Allele origin: germline.
Comment: The p.G3D variant (also known as c.8G>A), located in coding exon 1 of the CTRC gene, results from a G to A substitution at nucleotide position 8. The glycine at codon 3 is replaced by aspartic acid, an amino acid with similar properties. This amino acid position is conserved. In addition, the in silico prediction for this alteration is inconclusive. Since supporting evidence is limited at this time, the clinical significance of this alteration remains unclear.